The following is an entry in ClinVar:

ClinVar aggregate classification (germline): Benign/Likely benign. Review status: criteria provided, multiple submitters, no conflicts (2 of 4 stars). 4 submissions from 4 submitters: Benign (2); Likely benign (1). 1 of the submissions does not count toward it. Last evaluated 2026-01-28.

Conditions:
Hereditary cancer-predisposing syndrome. Also called: Tumor predisposition; Hereditary Cancer Syndrome; Neoplastic Syndromes, Hereditary; Hereditary neoplastic syndrome. Identifiers: Orphanet 140162, MedGen C0027672, MeSH D009386, MONDO:0015356.
Gorlin syndrome. Also called: Basal cell nevus syndrome; Nevoid Basal Cell Carcinoma Syndrome. Identifiers: Orphanet 377, MedGen C0004779, MONDO:0007187.
PTCH1-related disorder. Also called: PTCH1-related disorders; PTCH1-related condition.

Allele frequency attached by ClinVar (database versions not stated): gnomAD 0.00003; gnomAD exomes 0.00005 and 0.00014; TOPMed 0.00005; ExAC 0.00011.
gnomAD v4.1: 73 of 1,613,988 alleles (0.0045%); highest among the groups gnomAD compares: Admixed American, 0.047%; 1 homozygote.

Submissions (4):

Labcorp Genetics (formerly Invitae), Labcorp
Classification: Benign for Gorlin syndrome. Last evaluated: 2026-01-28. Review status: criteria provided, single submitter. Criteria: Invitae Variant Classification Sherloc (09022015). Collection method: clinical testing. Allele origin: germline.

Quest Diagnostics Nichols Institute San Juan Capistrano
Classification: Benign. Last evaluated: 2022-11-29. Review status: criteria provided, single submitter. Criteria: Quest Diagnostics criteria. Collection method: clinical testing. Allele origin: unknown.

Ambry Genetics
Classification: Likely benign for Hereditary cancer-predisposing syndrome. Last evaluated: 2018-03-15. Review status: criteria provided, single submitter. Criteria: Ambry Variant Classification Scheme 2023. Collection method: clinical testing. Allele origin: germline.

PreventionGenetics, part of Exact Sciences
Classification: Likely benign for PTCH1-related condition. Last evaluated: 2023-04-27. Review status: no assertion criteria provided. Collection method: clinical testing. Allele origin: germline. Not counted in ClinVar's aggregate classification.
Comment: This variant is classified as likely benign based on ACMG/AMP sequence variant interpretation guidelines (Richards et al. 2015 PMID: 25741868, with internal and published modifications).

NM_000264.5(PTCH1):c.3390C>T (p.Ala1130=)

Gene: PTCH1 (patched 1; minus strand). Cytogenetic location: 9q22.32.
Variant type: single nucleotide variant.
Coding change: c.3390C>T on transcript NM_000264.5 (MANE Select); coding-DNA position 3390, C replaced by T.
Protein change: p.Ala1130=; no amino-acid change (alanine 1130 retained).
Molecular consequence: synonymous variant. On other transcripts: non-coding transcript variant (1).
Genome position (GRCh38, 1-based): chr9:95,453,537, G>A on the plus strand (C>T on the coding strand, the complement: PTCH1 is on the minus strand). VCF-style: chr9-95453537-G-A. GRCh37 (hg19) VCF-style: chr9-98215819-G-A.
Other names: c.3192C>T, p.Ala1064= (NM_001083602.3); c.3387C>T, p.Ala1129= (NM_001083603.3); c.2937C>T, p.Ala979= (NM_001083604.3, NM_001083605.3, NM_001083606.3 and 1 more transcripts); c.3234C>T, p.Ala1078= (NM_001354918.2); c.3390C>T (NM_000264.4).
Identifiers: ClinVar variation 453849 (VCV000453849.19), dbSNP rs762637887, ClinGen allele CA5138160.
Genomic context (GRCh38, chr9:95,453,537, plus strand): 5'-CCTGACAATGAAGTCGAACTCAGATCCCGCCAGCATCAGCACTCCCAGCAGAGTGGACAC[G>A]GCGCCATCCAGGACGGGTGCAAACATGTGCTCCAGGGCAAGCACAGCCCTGCGGTTCTTG-3'
Protein context (NP_000255.2, residues 1120-1140): EHMFAPVLDG[Ala1130=]VSTLLGVLML